The following is an entry in ClinVar:

ClinVar aggregate classification (germline): Pathogenic. Review status: no assertion criteria provided (0 of 4 stars). 2 submissions from 2 submitters: Pathogenic (2). Last evaluated 2021-02-19.

Conditions:
Microcephaly 26, primary, autosomal dominant. Identifiers: MedGen C5543048, MONDO:0030928, OMIM 619179.
Syndrome with microcephaly as major feature. Identifiers: Orphanet 269528, MedGen C5680774, MONDO:0017119.

Submissions (2):

OMIM
Classification: Pathogenic for MICROCEPHALY 26, PRIMARY, AUTOSOMAL DOMINANT. Last evaluated: 2021-02-19. Review status: no assertion criteria provided. Collection method: literature only. Allele origin: germline.

Center for Human Genetics, University of Leuven
Classification: Pathogenic for Syndrome with microcephaly as major feature. Last evaluated: 2020-02-20. Review status: no assertion criteria provided. Collection method: clinical testing. Allele origin: de novo. Inheritance: Autosomal dominant inheritance. Affected: yes.
Comment: We performed segregation analysis, Western blot, and several functional in vitro studies that support a clear pathogenic effect

Literature cited by the submitters: PubMed 32910914 (cited by OMIM).

NM_005573.4(LMNB1):c.455C>G (p.Ala152Gly)

Gene: LMNB1 (lamin B1; plus strand). Cytogenetic location: 5q23.2.
Variant type: single nucleotide variant.
Coding change: c.455C>G on transcript NM_005573.4 (MANE Select); coding-DNA position 455, C replaced by G.
Protein change: p.Ala152Gly; replaces alanine 152 with glycine.
Molecular consequence: missense variant. On other transcripts: 5 prime UTR variant (1), non-coding transcript variant (1).
Genome position (GRCh38, 1-based): chr5:126,804,871, C>G. VCF-style: chr5-126804871-C-G. GRCh37 (hg19) VCF-style: chr5-126140563-C-G.
Other names: c.-176C>G (NM_001198557.2); short protein forms A152G.
Identifiers: ClinVar variation 915454 (VCV000915454.2), dbSNP rs935132421, ClinGen allele CA360717042.